The following is an entry in ClinVar:

ClinVar aggregate classification (germline): Uncertain significance. Review status: criteria provided, multiple submitters, no conflicts (2 of 4 stars). 3 submissions from 3 submitters: Uncertain significance (3). Last evaluated 2024-10-22.

Conditions:
Inborn genetic diseases. Identifiers: MedGen C0950123, MeSH D030342.

Allele frequency attached by ClinVar (database versions not stated): gnomAD exomes 0.00003 and 0.00007; TOPMed 0.00006; ExAC 0.00007.

Submissions (3):

Labcorp Genetics (formerly Invitae), Labcorp
Classification: Uncertain significance. Last evaluated: 2024-10-22. Review status: criteria provided, single submitter. Criteria: Invitae Variant Classification Sherloc (09022015). Collection method: clinical testing. Allele origin: germline.
Comment: This sequence change replaces valine, which is neutral and non-polar, with methionine, which is neutral and non-polar, at codon 44 of the PDE6A protein (p.Val44Met). This variant is present in population databases (rs764525413, gnomAD 0.04%). This variant has not been reported in the literature in individuals affected with PDE6A-related conditions. ClinVar contains an entry for this variant (Variation ID: 970559). Invitae Evidence Modeling of protein sequence and biophysical properties (such as structural, functional, and spatial information, amino acid conservation, physicochemical variation, residue mobility, and thermodynamic stability) indicates that this missense variant is not expected to disrupt PDE6A protein function with a negative predictive value of 95%. In summary, the available evidence is currently insufficient to determine the role of this variant in disease. Therefore, it has been classified as a Variant of Uncertain Significance.

Ambry Genetics
Classification: Uncertain significance for Inborn genetic diseases. Last evaluated: 2023-09-13. Review status: criteria provided, single submitter. Criteria: Ambry Variant Classification Scheme 2023. Collection method: clinical testing. Allele origin: germline.

Blueprint Genetics
Classification: Uncertain significance. Last evaluated: 2021-10-11. Review status: criteria provided, single submitter. Criteria: ACMG Guidelines, 2015. Collection method: clinical testing. Allele origin: germline.

NM_000440.3(PDE6A):c.130G>A (p.Val44Met)

Gene: PDE6A (phosphodiesterase 6A; minus strand). Cytogenetic location: 5q32.
Variant type: single nucleotide variant.
Coding change: c.130G>A on transcript NM_000440.3 (MANE Select); coding-DNA position 130, G replaced by A.
Protein change: p.Val44Met; replaces valine 44 with methionine.
Molecular consequence: missense variant.
Genome position (GRCh38, 1-based): chr5:149,944,544, C>T on the plus strand (G>A on the coding strand, the complement: PDE6A is on the minus strand). VCF-style: chr5-149944544-C-T. GRCh37 (hg19) VCF-style: chr5-149324107-C-T.
Other names: short protein forms V44M.
Identifiers: ClinVar variation 970559 (VCV000970559.10), dbSNP rs764525413, ClinGen allele CA3505137.